The following is an entry in ClinVar:

NM_016343.4(CENPF):c.4482C>T (p.Ser1494=)

Gene: CENPF (centromere protein F; plus strand). Cytogenetic location: 1q41.
Variant type: single nucleotide variant.
Coding change: c.4482C>T on transcript NM_016343.4 (MANE Select); coding-DNA position 4482, C replaced by T.
Protein change: p.Ser1494=; no amino-acid change (serine 1494 retained).
Molecular consequence: synonymous variant.
Genome position (GRCh38, 1-based): chr1:214,642,820, C>T. VCF-style: chr1-214642820-C-T. GRCh37 (hg19) VCF-style: chr1-214816163-C-T.
Identifiers: ClinVar variation 1198728 (VCV001198728.23), dbSNP rs148816462, ClinGen allele CA1390595.

ClinVar aggregate classification (germline): Benign/Likely benign. Review status: criteria provided, multiple submitters, no conflicts (2 of 4 stars). 4 submissions from 4 submitters: Benign (1); Likely benign (3). Last evaluated 2024-11-06.

Allele frequency attached by ClinVar (database versions not stated): gnomAD exomes 0.00013 and 0.00035; ExAC 0.00045; 1000 Genomes Project 30x 0.00094; 1000 Genomes Project 0.00100; ESP Exome Variant Server 0.00115; gnomAD 0.00137 and 0.00149; TOPMed 0.00146.
gnomAD v4.1: 416 of 1,613,916 alleles (0.026%); highest among the groups gnomAD compares: African/African-American, 0.46%; 3 homozygotes.

Submissions (4):

Labcorp Genetics (formerly Invitae), Labcorp
Classification: Benign. Last evaluated: 2024-11-06. Review status: criteria provided, single submitter. Criteria: Invitae Variant Classification Sherloc (09022015). Collection method: clinical testing. Allele origin: germline.

Blueprint Genetics
Classification: Likely benign. Last evaluated: 2024-09-23. Review status: criteria provided, single submitter. Criteria: ACMG Guidelines, 2015. Collection method: clinical testing. Allele origin: germline.

CeGaT Center for Human Genetics Tuebingen
Classification: Likely benign. Last evaluated: 2024-08-01. Review status: criteria provided, single submitter. Criteria: CeGaT Center For Human Genetics Tuebingen Variant Classification Criteria Version 2. Collection method: clinical testing. Allele origin: germline. Affected: yes. Observed: 1 variant allele.
Comment: CENPF: BP4, BP7

GeneDx
Classification: Likely benign. Last evaluated: 2021-10-19. Review status: criteria provided, single submitter. Criteria: GeneDx Variant Classification Process June 2021. Collection method: clinical testing. Allele origin: germline. Affected: yes.